The following is an entry in ClinVar:

ClinVar aggregate classification (germline): Benign (1 of 4 stars; one submission).

Conditions:
Nephronophthisis-like nephropathy 1 (NPHPL1). Identifiers: Orphanet 655, MedGen C3150419, MONDO:0013163, OMIM 613159.

Allele frequency attached by ClinVar (database versions not stated): gnomAD 0.00006 and 0.00124; TOPMed 0.00029; 1000 Genomes Project 0.00759.

Submission:

Illumina Laboratory Services, Illumina
Classification: Benign for Nephronophthisis-like nephropathy 1. Last evaluated: 2018-01-13. Review status: criteria provided, single submitter. Criteria: ICSL Variant Classification Criteria 13 December 2019. Collection method: clinical testing. Allele origin: germline.
Comment: This variant was observed in the ICSL laboratory as part of a predisposition screen in an ostensibly healthy population. It had not been previously curated by ICSL or reported in the Human Gene Mutation Database (HGMD: prior to June 1st, 2018), and was therefore a candidate for classification through an automated scoring system. Utilizing variant allele frequency, disease prevalence and penetrance estimates, and inheritance mode, an automated score was calculated to assess if this variant is too frequent to cause the disease. Based on the score and internal cut-off values, a variant classified as benign is not then subjected to further curation. The score for this variant resulted in a classification of benign for this disease.

NM_022098.4(XPNPEP3):c.*1452A>G

Gene: XPNPEP3 (X-prolyl aminopeptidase 3; plus strand). Cytogenetic location: 22q13.2.
Variant type: single nucleotide variant.
Coding change: c.*1452A>G on transcript NM_022098.4 (MANE Select); 1452 bases downstream of the stop codon, A replaced by G.
Molecular consequence: 3 prime UTR variant.
Genome position (GRCh38, 1-based): chr22:40,927,887, A>G. VCF-style: chr22-40927887-A-G. GRCh37 (hg19) VCF-style: chr22-41323891-A-G.
Identifiers: ClinVar variation 341699 (VCV000341699.5), dbSNP rs553717950, ClinGen allele CA10645530.
Genomic context (GRCh38, chr22:40,927,887, plus strand): 5'-ATCGCGCCACTGCACTCCAGCCTGGGTGACAGAGCGAGACTCCGTCTCAAAAAAAAAAAA[A>G]AAAAAGAAAAAAAAAAGAAAGATTTCTTTCGCAGATATCCCTGCTCCCTCTATAGATTCT-3'